The following is an entry in ClinVar:

NM_000268.4(NF2):c.1760C>T (p.Ser587Phe)

Gene: NF2 (NF2, moesin-ezrin-radixin like (MERLIN) tumor suppressor; plus strand). Cytogenetic location: 22q12.2.
Variant type: single nucleotide variant.
Coding change: c.1760C>T on transcript NM_000268.4 (MANE Select); coding-DNA position 1760, C replaced by T.
Protein change: p.Ser587Phe; replaces serine 587 with phenylalanine.
Molecular consequence: missense variant. On other transcripts: 3 prime UTR variant (11), non-coding transcript variant (1).
Genome position (GRCh38, 1-based): chr22:29,694,774, C>T. VCF-style: chr22-29694774-C-T. GRCh37 (hg19) VCF-style: chr22-30090763-C-T.
Other names: c.1646C>T, p.Ser549Phe (NM_001407053.1); c.1637C>T, p.Ser546Phe (NM_001407054.1); c.1634C>T, p.Ser545Phe (NM_001407055.1); c.*32C>T (NM_001407056.1, NM_001407059.1, NM_001407065.1 and 5 more transcripts); c.1625C>T, p.Ser542Phe (NM_001407057.1); c.*47C>T (NM_001407058.1, NM_001407063.1, NM_181832.3); c.1597C>T, p.Pro533Ser (NM_001407060.1); c.1502C>T, p.Ser501Phe (NM_001407062.1); and 2 more; short protein forms S501F, S546F, S157F, S542F, S545F, P450S, S549F, P533S.
Identifiers: ClinVar variation 4827551 (VCV004827551.1).

ClinVar aggregate classification (germline): Uncertain significance (1 of 4 stars; one submission).

Conditions:
Hereditary cancer-predisposing syndrome. Also called: Neoplastic Syndromes, Hereditary; Tumor predisposition; Hereditary Cancer Syndrome; Hereditary neoplastic syndrome. Identifiers: Orphanet 140162, MedGen C0027672, MeSH D009386, MONDO:0015356.

gnomAD v4.1: 1 of 1,613,844 alleles (0.000062%); highest among the groups gnomAD compares: East Asian, 0.0022%; no homozygotes.

Submission:

Ambry Genetics
Classification: Uncertain significance for Hereditary cancer-predisposing syndrome. Last evaluated: 2026-03-11. Review status: criteria provided, single submitter. Criteria: Ambry Variant Classification Scheme 2023. Collection method: clinical testing. Allele origin: germline.
Comment: The p.S587F variant (also known as c.1760C>T), located in coding exon 16 of the NF2 gene, results from a C to T substitution at nucleotide position 1760. The serine at codon 587 is replaced by phenylalanine, an amino acid with highly dissimilar properties. This amino acid position is conserved. In addition, the in silico prediction for this alteration is inconclusive. Based on the available evidence, the clinical significance of this variant remains unclear.